The following is an entry in ClinVar:

NM_014874.4(MFN2):c.2227A>C (p.Ser743Arg)

Gene: MFN2 (mitofusin 2; plus strand). Cytogenetic location: 1p36.22.
Variant type: single nucleotide variant.
Coding change: c.2227A>C on transcript NM_014874.4 (MANE Select); coding-DNA position 2227, A replaced by C.
Protein change: p.Ser743Arg; replaces serine 743 with arginine.
Molecular consequence: missense variant.
Genome position (GRCh38, 1-based): chr1:12,011,518, A>C. VCF-style: chr1-12011518-A-C. GRCh37 (hg19) VCF-style: chr1-12071575-A-C.
Other names: c.2227A>C, p.Ser743Arg (NM_001127660.2); short protein forms S743R.
Identifiers: ClinVar variation 447721 (VCV000447721.2), dbSNP rs1553146561, ClinGen allele CA338453930.

ClinVar aggregate classification (germline): Uncertain significance (1 of 4 stars; one submission).

Submission:

Athena Diagnostics
Classification: Uncertain significance. Last evaluated: 2024-07-05. Review status: criteria provided, single submitter. Criteria: Athena Diagnostics Criteria. Collection method: clinical testing. Allele origin: unknown.
Comment: Available data are insufficient to determine the clinical significance of the variant at this time. This variant has not been reported in large, multi-ethnic general populations. This variant has been identified in at least one individual tested at Athena Diagnostics with clinical features associated with this gene. Polyphen and MutationTaster yielded discordant predictions regarding whether this amino acid change is damaging to the protein.